The following is an entry in ClinVar:

NM_176787.5(PIGN):c.2288C>T (p.Thr763Ile)

Gene: PIGN (phosphatidylinositol glycan anchor biosynthesis class N; minus strand). Cytogenetic location: 18q21.33.
Variant type: single nucleotide variant.
Coding change: c.2288C>T on transcript NM_176787.5 (MANE Select); coding-DNA position 2288, C replaced by T.
Protein change: p.Thr763Ile; replaces threonine 763 with isoleucine.
Molecular consequence: missense variant.
Genome position (GRCh38, 1-based): chr18:62,088,838, G>A on the plus strand (C>T on the coding strand, the complement: PIGN is on the minus strand). VCF-style: chr18-62088838-G-A. GRCh37 (hg19) VCF-style: chr18-59756071-G-A.
Other names: c.2288C>T, p.Thr763Ile (NM_012327.6); short protein forms T763I.
Identifiers: ClinVar variation 1029295 (VCV001029295.2), dbSNP rs2033831809, ClinGen allele CA402602157.
Genomic context (GRCh38, chr18:62,088,838, plus strand): 5'-TCATCCAGATATAGCTGTCGAAACTGAGTTATATCAGTATTATAAGAGAACTGGATACTG[G>A]TGAGCTGTGAGATAATAAGAAAAATATTAATGCACAATAACAGTTGGCTTATTTCTATAT-3'
Protein context (NP_789744.1, residues 753-773): QSGVCCKQKL[Thr763Ile]SIQFSYNTDI

ClinVar aggregate classification (germline): Uncertain significance. Review status: criteria provided, multiple submitters, no conflicts (2 of 4 stars). 2 submissions from 2 submitters: Uncertain significance (2). Last evaluated 2024-10-01.

Conditions:
Inborn genetic diseases. Identifiers: MedGen C0950123, MeSH D030342.
Multiple congenital anomalies-hypotonia-seizures syndrome 1 (MCAHS1). Also called: GLYCOSYLPHOSPHATIDYLINOSITOL BIOSYNTHESIS DEFECT 3; PIGN-CDG; Congenital disorder of glycosylation due to PIGN deficiency. Identifiers: Orphanet 280633, MedGen C3279775, MONDO:0013563, OMIM 614080.

Allele frequency attached by ClinVar (database versions not stated): gnomAD exomes below 0.00001.
gnomAD v4.1: 4 of 1,517,650 alleles (0.00026%); highest among the groups gnomAD compares: Admixed American, 0.0019%; no homozygotes.

Submissions (2):

Ambry Genetics
Classification: Uncertain significance for Inborn genetic diseases. Last evaluated: 2024-10-01. Review status: criteria provided, single submitter. Criteria: Ambry Variant Classification Scheme 2023. Collection method: clinical testing. Allele origin: germline.

Baylor Genetics
Classification: Uncertain significance for Multiple congenital anomalies-hypotonia-seizures syndrome 1. Last evaluated: 2019-03-14. Review status: criteria provided, single submitter. Criteria: ACMG Guidelines, 2015. Collection method: clinical testing. Allele origin: maternal. Affected: yes.
Comment: This variant was determined to be of uncertain significance according to ACMG Guidelines, 2015 [PMID:25741868].